The following is an entry in ClinVar:

NM_144596.4(TTC8):c.211C>T (p.Gln71Ter)

Gene: TTC8 (tetratricopeptide repeat domain 8; plus strand). Cytogenetic location: 14q31.3.
Variant type: single nucleotide variant.
Coding change: c.211C>T on transcript NM_144596.4 (MANE Select); coding-DNA position 211, C replaced by T.
Protein change: p.Gln71Ter; replaces glutamine 71 with a stop codon.
Molecular consequence: nonsense. On other transcripts: 5 prime UTR variant (2), non-coding transcript variant (1).
Genome position (GRCh38, 1-based): chr14:88,839,518, C>T. VCF-style: chr14-88839518-C-T. GRCh37 (hg19) VCF-style: chr14-89305862-C-T.
Other names: c.181C>T, p.Gln61Ter (NM_001288781.1, NM_001366535.2, NM_001366536.2 and 2 more transcripts); c.-382C>T (NM_001288782.1); c.-477C>T (NM_001288783.1); short protein forms Q61*, Q71*.
Identifiers: ClinVar variation 4718066 (VCV004718066.1).

ClinVar aggregate classification (germline): Pathogenic (1 of 4 stars; one submission).

Conditions:
Bardet-Biedl syndrome (BBS). Identifiers: Orphanet 110, MedGen C0752166, MONDO:0015229.

Submission:

Labcorp Genetics (formerly Invitae), Labcorp
Classification: Pathogenic for Bardet-Biedl syndrome. Last evaluated: 2025-04-21. Review status: criteria provided, single submitter. Criteria: Invitae Variant Classification Sherloc (09022015). Collection method: clinical testing. Allele origin: germline.
Comment: This sequence change creates a premature translational stop signal (p.Gln61*) in the TTC8 gene. It is expected to result in an absent or disrupted protein product. Loss-of-function variants in TTC8 are known to be pathogenic (PMID: 16308660, 16877420, 19797195, 21052717, 30886724). This variant is not present in population databases (gnomAD no frequency). This variant has not been reported in the literature in individuals affected with TTC8-related conditions. For these reasons, this variant has been classified as Pathogenic.

Literature cited by the submitters: PubMed 16308660; PubMed 16877420; PubMed 19797195; PubMed 21052717; PubMed 30886724.